The following is an entry in ClinVar:

NM_021930.6(RINT1):c.274G>A (p.Val92Ile)

Gene: RINT1 (RAD50 interactor 1; plus strand). Cytogenetic location: 7q22.3.
Variant type: single nucleotide variant.
Coding change: c.274G>A on transcript NM_021930.6 (MANE Select); coding-DNA position 274, G replaced by A.
Protein change: p.Val92Ile; replaces valine 92 with isoleucine.
Molecular consequence: missense variant. On other transcripts: 5 prime UTR variant (3), non-coding transcript variant (1).
Genome position (GRCh38, 1-based): chr7:105,542,408, G>A. VCF-style: chr7-105542408-G-A. GRCh37 (hg19) VCF-style: chr7-105182855-G-A.
Other names: c.40G>A, p.Val14Ile (NM_001346599.2); c.-746G>A (NM_001346600.2); c.-649G>A (NM_001346601.2); c.-269G>A (NM_001346603.2); short protein forms V92I, V14I.
Identifiers: ClinVar variation 1795538 (VCV001795538.3), dbSNP rs2133373020, ClinGen allele CA368802690.

ClinVar aggregate classification (germline): Uncertain significance (1 of 4 stars; one submission).

Submission:

Ambry Genetics
Classification: Uncertain significance. Last evaluated: 2025-06-27. Review status: criteria provided, single submitter. Criteria: Ambry Variant Classification Scheme 2023. Collection method: clinical testing. Allele origin: germline.
Comment: The p.V92I variant (also known as c.274G>A) is located in coding exon 4 of the RINT1 gene. The valine at codon 92 is replaced by isoleucine, an amino acid with highly similar properties. This change occurs in the first base pair of coding exon 4. This amino acid position is conserved. In addition, this alteration is predicted to be tolerated by in silico analysis. Since supporting evidence is limited at this time, the clinical significance of this alteration remains unclear.